The following is an entry in ClinVar:

ClinVar aggregate classification (germline): Uncertain significance. Review status: criteria provided, multiple submitters, no conflicts (2 of 4 stars). 2 submissions from 2 submitters: Uncertain significance (2). Last evaluated 2024-05-08.

Conditions:
Hereditary cancer-predisposing syndrome. Also called: Hereditary neoplastic syndrome; Tumor predisposition; Neoplastic Syndromes, Hereditary; Hereditary Cancer Syndrome. Identifiers: Orphanet 140162, MedGen C0027672, MeSH D009386, MONDO:0015356.
Gorlin syndrome. Also called: Nevoid Basal Cell Carcinoma Syndrome; Basal cell nevus syndrome. Identifiers: Orphanet 377, MedGen C0004779, MONDO:0007187.

gnomAD v4.1: 4 of 1,614,186 alleles (0.00025%); highest among the groups gnomAD compares: Non-Finnish European, 0.00025%; no homozygotes.

Submissions (2):

Labcorp Genetics (formerly Invitae), Labcorp
Classification: Uncertain significance for Gorlin syndrome. Last evaluated: 2024-05-08. Review status: criteria provided, single submitter. Criteria: Invitae Variant Classification Sherloc (09022015). Collection method: clinical testing. Allele origin: germline.
Comment: This sequence change replaces valine, which is neutral and non-polar, with phenylalanine, which is neutral and non-polar, at codon 1418 of the PTCH1 protein (p.Val1418Phe). This variant is not present in population databases (gnomAD no frequency). This variant has not been reported in the literature in individuals affected with PTCH1-related conditions. ClinVar contains an entry for this variant (Variation ID: 861688). Advanced modeling of protein sequence and biophysical properties (such as structural, functional, and spatial information, amino acid conservation, physicochemical variation, residue mobility, and thermodynamic stability) performed at Invitae indicates that this missense variant is not expected to disrupt PTCH1 protein function with a negative predictive value of 95%. In summary, the available evidence is currently insufficient to determine the role of this variant in disease. Therefore, it has been classified as a Variant of Uncertain Significance.

Ambry Genetics
Classification: Uncertain significance for Hereditary cancer-predisposing syndrome. Last evaluated: 2024-03-06. Review status: criteria provided, single submitter. Criteria: Ambry Variant Classification Scheme 2023. Collection method: clinical testing. Allele origin: germline.
Comment: The p.V1418F variant (also known as c.4252G>T), located in coding exon 23 of the PTCH1 gene, results from a G to T substitution at nucleotide position 4252. The valine at codon 1418 is replaced by phenylalanine, an amino acid with highly similar properties. This amino acid position is not well conserved in available vertebrate species. In addition, the in silico prediction for this alteration is inconclusive. Since supporting evidence is limited at this time, the clinical significance of this alteration remains unclear.

NM_000264.5(PTCH1):c.4252G>T (p.Val1418Phe)

Gene: PTCH1 (patched 1; minus strand). Cytogenetic location: 9q22.32.
Variant type: single nucleotide variant.
Coding change: c.4252G>T on transcript NM_000264.5 (MANE Select); coding-DNA position 4252, G replaced by T.
Protein change: p.Val1418Phe; replaces valine 1418 with phenylalanine.
Molecular consequence: missense variant. On other transcripts: non-coding transcript variant (1).
Genome position (GRCh38, 1-based): chr9:95,447,004, C>A on the plus strand (G>T on the coding strand, the complement: PTCH1 is on the minus strand). VCF-style: chr9-95447004-C-A. GRCh37 (hg19) VCF-style: chr9-98209286-C-A.
Other names: c.4054G>T, p.Val1352Phe (NM_001083602.3); c.4249G>T, p.Val1417Phe (NM_001083603.3); c.3799G>T, p.Val1267Phe (NM_001083604.3, NM_001083605.3, NM_001083606.3 and 1 more transcripts); c.4096G>T, p.Val1366Phe (NM_001354918.2); short protein forms V1352F, V1418F, V1366F, V1417F, V1267F.
Identifiers: ClinVar variation 861688 (VCV000861688.12), dbSNP rs369882883, ClinGen allele CA374110024.